The following is an entry in ClinVar:

ClinVar aggregate classification (germline): Conflicting classifications of pathogenicity. Review status: criteria provided, conflicting classifications (1 of 4 stars). 7 submissions from 7 submitters: Uncertain significance (2); Benign (1); Likely benign (3). 1 of the submissions does not count toward it. Last evaluated 2026-01-24.

Conditions:
MCPH1-related disorder. Also called: MCPH1-related condition.
Microcephaly 1, primary, autosomal recessive (MCPH1). Also called: PREMATURE CHROMOSOME CONDENSATION SYNDROME; PCC SYNDROME; PREMATURE CHROMOSOME CONDENSATION WITH MICROCEPHALY AND MENTAL RETARDATION. Identifiers: Orphanet 2512, MedGen C1855081, MONDO:0009617, OMIM 251200.

Allele frequency attached by ClinVar (database versions not stated): gnomAD exomes 0.00017 and 0.00029; ExAC 0.00041; 1000 Genomes Project 0.00060; 1000 Genomes Project 30x 0.00109; gnomAD 0.00154 and 0.00160; ESP Exome Variant Server 0.00158; TOPMed 0.00170.
gnomAD v4.1: 498 of 1,614,274 alleles (0.031%); highest among the groups gnomAD compares: African/African-American, 0.51%; 3 homozygotes.

Submissions (7):

Labcorp Genetics (formerly Invitae), Labcorp
Classification: Benign. Last evaluated: 2026-01-24. Review status: criteria provided, single submitter. Criteria: Invitae Variant Classification Sherloc (09022015). Collection method: clinical testing. Allele origin: germline.

Blueprint Genetics
Classification: Likely benign. Last evaluated: 2024-11-25. Review status: criteria provided, single submitter. Criteria: ACMG Guidelines, 2015. Collection method: clinical testing. Allele origin: germline.

CeGaT Center for Human Genetics Tuebingen
Classification: Likely benign. Last evaluated: 2023-05-01. Review status: criteria provided, single submitter. Criteria: CeGaT Center For Human Genetics Tuebingen Variant Classification Criteria Version 2. Collection method: clinical testing. Allele origin: germline. Affected: yes. Observed: 1 variant allele.
Comment: MCPH1: BP4

Fulgent Genetics
Classification: Uncertain significance for Microcephaly 1, primary, autosomal recessive. Last evaluated: 2018-10-31. Review status: criteria provided, single submitter. Criteria: ACMG Guidelines, 2015. Collection method: clinical testing. Allele origin: unknown.

Illumina Laboratory Services, Illumina
Classification: Likely benign for Microcephaly 1, primary, autosomal recessive. Last evaluated: 2017-04-28. Review status: criteria provided, single submitter. Criteria: ICSL Variant Classification Criteria 13 December 2019. Collection method: clinical testing. Allele origin: germline.
Comment: This variant was observed as part of a predisposition screen in an ostensibly healthy population. A literature search was performed for the gene, cDNA change, and amino acid change (where applicable). No publications were found based on this search. Allele frequency data from public databases allowed determination this variant is unlikely to cause disease. Therefore, this variant is classified as likely benign.

Eurofins Ntd Llc (ga)
Classification: Uncertain significance. Last evaluated: 2017-01-26. Review status: criteria provided, single submitter. Criteria: EGL Classification Definitions 2015. Collection method: clinical testing. Allele origin: germline. Observed: 3 variant alleles, 3 heterozygotes.

PreventionGenetics, part of Exact Sciences
Classification: Likely benign for MCPH1-related condition. Last evaluated: 2022-09-07. Review status: no assertion criteria provided. Collection method: clinical testing. Allele origin: germline. Not counted in ClinVar's aggregate classification.
Comment: This variant is classified as likely benign based on ACMG/AMP sequence variant interpretation guidelines (Richards et al. 2015 PMID: 25741868, with internal and published modifications).

NM_024596.5(MCPH1):c.1349A>C (p.Lys450Thr)

Gene: MCPH1 (microcephalin 1; plus strand). Cytogenetic location: 8p23.1.
Variant type: single nucleotide variant.
Coding change: c.1349A>C on transcript NM_024596.5 (MANE Select); coding-DNA position 1349, A replaced by C.
Protein change: p.Lys450Thr; replaces lysine 450 with threonine.
Molecular consequence: missense variant. On other transcripts: non-coding transcript variant (1).
Genome position (GRCh38, 1-based): chr8:6,445,071, A>C. VCF-style: chr8-6445071-A-C. GRCh37 (hg19) VCF-style: chr8-6302592-A-C.
Other names: c.1349A>C, p.Lys450Thr (NM_001172574.2, NM_001322042.2, NM_001363979.1 and 1 more transcripts); c.1205A>C, p.Lys402Thr (NM_001172575.2); c.1343A>C, p.Lys448Thr (NM_001322043.2); c.1247A>C, p.Lys416Thr (NM_001322045.2); c.1349A>C (NM_001322042.1); short protein forms K450T, K402T, K416T, K448T.
Identifiers: ClinVar variation 499746 (VCV000499746.45), dbSNP rs77959215, ClinGen allele CA4610527.
Genomic context (GRCh38, chr8:6,445,071, plus strand): 5'-CTCCTGAATCTCAGCTGCCATCAAGCCCTGCTCAGTTGAGCTGCAGAAGTCTTTCTAAGA[A>C]GGAGAGAACAAGCATATTTGAAATGTCTGATTTTTCCTGCGTTGGCAAAAAAACCAGAAC-3'
Protein context (NP_078872.3, residues 440-460): AQLSCRSLSK[Lys450Thr]ERTSIFEMSD